The following is an entry in ClinVar:

NM_172107.4(KCNQ2):c.274dup (p.Ala92fs)

Gene: KCNQ2 (potassium voltage-gated channel subfamily Q member 2; minus strand). Cytogenetic location: 20q13.33.
Variant type: Duplication.
Coding change: c.274dup on transcript NM_172107.4 (MANE Select); coding-DNA position 274, one base duplicated (G; older notation c.274dupG).
Protein change: p.Ala92fs; shifts the reading frame from alanine 92.
Molecular consequence: frameshift variant.
Genome position (GRCh38, 1-based): chr20:63,472,190, C duplicated on the plus strand (G on the coding strand, the reverse complement: KCNQ2 is on the minus strand); the first of 3 consecutive C bases (chr20:63,472,190-63,472,192); duplicating any one gives the same sequence. VCF-style (leftmost placement, unchanged base first): chr20-63472189-G-GC. GRCh37 (hg19) VCF-style: chr20-62103542-G-GC.
Other names: c.274dup, p.Ala92fs (NM_004518.6, NM_172106.3, NM_172108.5 and 1 more transcripts); short protein forms A92fs.
Identifiers: ClinVar variation 280740 (VCV000280740.2), dbSNP rs886041890, ClinGen allele CA10603680.

ClinVar aggregate classification (germline): Pathogenic (1 of 4 stars; one submission).

Submission:

GeneDx
Classification: Pathogenic. Last evaluated: 2016-07-29. Review status: criteria provided, single submitter. Criteria: GeneDx Variant Classification (06012015). Collection method: clinical testing. Allele origin: germline. Affected: yes.
Comment: The c.274dupG variant in the KCNQ2 gene has not been published as a pathogenic variant, nor has it been reportedas a benign variant to our knowledge. It was not observed in approximately 6,500 individuals of European andAfrican American ancestry in the NHLBI Exome Sequencing Project, indicating it is not a common benign variant inthese populations. The c.274dupG variant causes a frameshift starting with codon Alanine 92, changes this aminoacid to a Glycine residue and creates a premature Stop codon at position 28 of the new reading frame, denotedp.Ala92GlyfsX28. This variant is predicted to cause loss of normal protein function either through protein truncationor nonsense-mediated mRNA decay. Additionally, other frameshift variants upstream and downstream of this positionhave been reported in the Human Gene Mutation Database in association with KCNQ2-related disorders (Stenson etal., 2014).